The following is an entry in ClinVar:

ClinVar aggregate classification (germline): Uncertain significance (1 of 4 stars; one submission).

Conditions:
Complex cortical dysplasia with other brain malformations 6. Identifiers: MedGen C4014283, MONDO:0014341, OMIM 615771.

Submission:

3billion
Classification: Uncertain significance for Complex cortical dysplasia with other brain malformations 6. Last evaluated: 2025-03-04. Review status: criteria provided, single submitter. Criteria: ACMG Guidelines, 2015. Collection method: clinical testing. Allele origin: germline. Affected: yes.
Comment: The variant is not observed in the gnomAD v4.1.0 dataset. Predicted Consequence/Location: Missense variant. Missense changes are a common disease-causing mechanism. In silico tool predictions suggest damaging effect of the variant on gene or gene product [REVEL: 0.84 (>=0.6, sensitivity 0.68 and specificity 0.92); 3Cnet: 1.00 (> 0.75, sensitivity 0.96 and precision 0.92)]. Different missense changes at the same codon have been reported as of uncertain significance (ClinVar ID: VCV002412910). Therefore, this variant is classified as VUS according to the recommendation of ACMG/AMP guideline.

NM_178014.4(TUBB):c.485G>A (p.Arg162His)

Gene: TUBB (tubulin beta class I; plus strand). Cytogenetic location: 6p21.33.
Variant type: single nucleotide variant.
Coding change: c.485G>A on transcript NM_178014.4 (MANE Select); coding-DNA position 485, G replaced by A.
Protein change: p.Arg162His; replaces arginine 162 with histidine.
Molecular consequence: missense variant. On other transcripts: intron variant (1).
Genome position (GRCh38, 1-based): chr6:30,723,547, G>A. VCF-style: chr6-30723547-G-A. GRCh37 (hg19) VCF-style: chr6-30691324-G-A.
Other names: c.545G>A, p.Arg182His (NM_001293212.2); c.353G>A, p.Arg118His (NM_001293214.2); c.269G>A, p.Arg90His (NM_001293215.2, NM_001293216.2); c.369+116G>A (NM_001293213.2); short protein forms R118H, R162H, R182H, R90H.
Identifiers: ClinVar variation 4291721 (VCV004291721.1).
Genomic context (GRCh38, chr6:30,723,547, plus strand): 5'-GCACAGGCTCTGGAATGGGCACTCTCCTTATCAGCAAGATCCGAGAAGAATACCCTGATC[G>A]CATCATGAATACCTTCAGTGTGGTGCCTTCACCCAAAGTGTCTGACACCGTGGTCGAGCC-3'
Protein context (NP_821133.1, residues 152-172): ISKIREEYPD[Arg162His]IMNTFSVVPS